The following is an entry in ClinVar:

NM_000059.4(BRCA2):c.5880T>A (p.Cys1960Ter)

Gene: BRCA2 (BRCA2 DNA repair associated; plus strand). Cytogenetic location: 13q13.1.
Variant type: single nucleotide variant.
Coding change: c.5880T>A on transcript NM_000059.4 (MANE Select); coding-DNA position 5880, T replaced by A.
Protein change: p.Cys1960Ter; replaces cysteine 1960 with a stop codon.
Molecular consequence: nonsense.
Genome position (GRCh38, 1-based): chr13:32,340,235, T>A. VCF-style: chr13-32340235-T-A. GRCh37 (hg19) VCF-style: chr13-32914372-T-A.
Other names: short protein forms C1960*.
Identifiers: ClinVar variation 1453241 (VCV001453241.6), dbSNP rs368055906, ClinGen allele CA387787458.
Genomic context (GRCh38, chr13:32,340,235, plus strand): 5'-GAAAGTTTCTAAAATATCACCTTGTGATGTTAGTTTGGAAACTTCAGATATATGTAAATG[T>A]AGTATAGGGAAGCTTCATAAGTCAGTCTCATCTGCAAATACTTGTGGGATTTTTAGCACA-3'

ClinVar aggregate classification (germline): Pathogenic (1 of 4 stars; one submission).

Conditions:
Hereditary breast ovarian cancer syndrome. Also called: Hereditary breast and ovarian cancer; Hereditary breast and ovarian cancer syndrome (HBOC); Breast and ovarian cancer; Hereditary breast and ovarian cancer syndrome; Hereditary breast and/or ovarian cancer syndrome; BRCA1- and BRCA2-Associated Hereditary Breast and Ovarian Cancer. Identifiers: Orphanet 145, MedGen C0677776, MeSH D061325, MONDO:0003582. Disease mechanism: loss of function.

Submission:

Labcorp Genetics (formerly Invitae), Labcorp
Classification: Pathogenic for Hereditary breast ovarian cancer syndrome. Last evaluated: 2021-02-03. Review status: criteria provided, single submitter. Criteria: Invitae Variant Classification Sherloc (09022015). Collection method: clinical testing. Allele origin: germline.
Comment: This variant has not been reported in the literature in individuals with BRCA2-related conditions. For these reasons, this variant has been classified as Pathogenic. This sequence change creates a premature translational stop signal (p.Cys1960*) in the BRCA2 gene. It is expected to result in an absent or disrupted protein product. Loss-of-function variants in BRCA2 are known to be pathogenic (PMID: 20104584). This variant is not present in population databases (ExAC no frequency).

Literature cited by the submitters: PubMed 20104584.